The following is an entry in ClinVar:

NM_004370.6(COL12A1):c.7697+1G>A

Gene: COL12A1 (collagen type XII alpha 1 chain; minus strand). Cytogenetic location: 6q13.
Variant type: single nucleotide variant.
Coding change: c.7697+1G>A on transcript NM_004370.6 (MANE Select); the canonical splice donor site of the intron after coding-DNA position 7697, G replaced by A.
Molecular consequence: splice donor variant.
Genome position (GRCh38, 1-based): chr6:75,115,783, C>T on the plus strand (G>A on the coding strand, the complement: COL12A1 is on the minus strand). VCF-style: chr6-75115783-C-T. GRCh37 (hg19) VCF-style: chr6-75825499-C-T.
Other names: c.4205+1G>A (NM_001424116.1, NM_080645.3); c.7424+1G>A (NM_001424115.1); c.7676+1G>A (NM_001424114.1); c.7697+1G>A (NM_001424113.1).
Identifiers: ClinVar variation 4788806 (VCV004788806.1).

ClinVar aggregate classification (germline): Likely pathogenic (1 of 4 stars; one submission).

Conditions:
Ullrich congenital muscular dystrophy 2 (UCMD2). Identifiers: Orphanet 75840, MedGen C4225314, MONDO:0014654, OMIM 616470.
Bethlem myopathy 2 (BTHLM2). Identifiers: Orphanet 536516, Orphanet 610, MedGen C4225313, MONDO:0034022, OMIM 616471.

gnomAD v4.1: 6 of 1,601,402 alleles (0.00037%); highest among the groups gnomAD compares: Non-Finnish European, 0.00043%; no homozygotes.

Submission:

Labcorp Genetics (formerly Invitae), Labcorp
Classification: Likely pathogenic for Bethlem myopathy 2; Ullrich congenital muscular dystrophy 2. Last evaluated: 2025-11-21. Review status: criteria provided, single submitter. Criteria: Invitae Variant Classification Sherloc (09022015). Collection method: clinical testing. Allele origin: germline.
Comment: This sequence change affects a donor splice site in intron 49 of the COL12A1 gene. It is expected to disrupt RNA splicing. Variants that disrupt the donor or acceptor splice site typically lead to a loss of protein function (PMID: 16199547), and loss-of-function variants in COL12A1 are known to be pathogenic (PMID: 24334604, 28973083). This variant is present in population databases (no rsID available, gnomAD 0.0009%). This variant has not been reported in the literature in individuals affected with COL12A1-related conditions. Algorithms developed to predict the effect of sequence changes on RNA splicing suggest that this variant may disrupt the consensus splice site. In summary, the currently available evidence indicates that the variant is pathogenic, but additional data are needed to prove that conclusively. Therefore, this variant has been classified as Likely Pathogenic.

Literature cited by the submitters: PubMed 16199547; PubMed 24334604; PubMed 28973083.